The following is an entry in ClinVar:

ClinVar aggregate classification (germline): Uncertain significance (1 of 4 stars; one submission).

Conditions:
Retinitis pigmentosa 59 (RP59). Identifiers: Orphanet 791, MedGen C3151227, MONDO:0013468, OMIM 613861.

Submission:

Labcorp Genetics (formerly Invitae), Labcorp
Classification: Uncertain significance for Retinitis pigmentosa 59. Last evaluated: 2025-11-03. Review status: criteria provided, single submitter. Criteria: Invitae Variant Classification Sherloc (09022015). Collection method: clinical testing. Allele origin: germline.
Comment: This sequence change replaces glutamine, which is neutral and polar, with histidine, which is basic and polar, at codon 246 of the DHDDS protein (p.Gln246His). This variant is not present in population databases (gnomAD no frequency). This variant has not been reported in the literature in individuals affected with DHDDS-related conditions. Invitae Evidence Modeling of protein sequence and biophysical properties (such as structural, functional, and spatial information, amino acid conservation, physicochemical variation, residue mobility, and thermodynamic stability) indicates that this missense variant is not expected to disrupt DHDDS protein function with a negative predictive value of 80%. In summary, the available evidence is currently insufficient to determine the role of this variant in disease. Therefore, it has been classified as a Variant of Uncertain Significance.

NM_205861.3(DHDDS):c.738G>C (p.Gln246His)

Gene: DHDDS (dehydrodolichyl diphosphate synthase subunit; plus strand). Cytogenetic location: 1p36.11.
Variant type: single nucleotide variant.
Coding change: c.738G>C on transcript NM_205861.3 (MANE Select); coding-DNA position 738, G replaced by C.
Protein change: p.Gln246His; replaces glutamine 246 with histidine.
Molecular consequence: missense variant.
Genome position (GRCh38, 1-based): chr1:26,460,117, G>C. VCF-style: chr1-26460117-G-C. GRCh37 (hg19) VCF-style: chr1-26786608-G-C.
Other names: c.636G>C, p.Gln212His (NM_001243564.2); c.621G>C, p.Gln207His (NM_001243565.2); c.459G>C, p.Gln153His (NM_001319959.2); c.738G>C, p.Gln246His (NM_024887.4); short protein forms Q153H, Q207H, Q212H, Q246H.
Identifiers: ClinVar variation 4804110 (VCV004804110.1).